The following is an entry in ClinVar:

NM_001377540.1(SLMAP):c.478A>T (p.Met160Leu)

Gene: SLMAP (sarcolemma associated protein; plus strand). Cytogenetic location: 3p14.3.
Variant type: single nucleotide variant.
Coding change: c.478A>T on transcript NM_001377540.1 (MANE Select); coding-DNA position 478, A replaced by T.
Protein change: p.Met160Leu; replaces methionine 160 with leucine.
Molecular consequence: missense variant. On other transcripts: non-coding transcript variant (1).
Genome position (GRCh38, 1-based): chr3:57,849,775, A>T. VCF-style: chr3-57849775-A-T. GRCh37 (hg19) VCF-style: chr3-57835502-A-T.
Other names: c.478A>T, p.Met160Leu (NM_001304420.3, NM_001304421.2, NM_001377538.1 and 17 more transcripts); short protein forms M160L.
Identifiers: ClinVar variation 1743086 (VCV001743086.2), dbSNP rs1206326973, ClinGen allele CA353406462.

ClinVar aggregate classification (germline): Uncertain significance (1 of 4 stars; one submission).

Submission:

Ambry Genetics
Classification: Uncertain significance. Last evaluated: 2021-12-16. Review status: criteria provided, single submitter. Criteria: Ambry Variant Classification Scheme 2023. Collection method: clinical testing. Allele origin: germline.
Comment: The p.M160L variant (also known as c.478A>T), located in coding exon 5 of the SLMAP gene, results from an A to T substitution at nucleotide position 478. The methionine at codon 160 is replaced by leucine, an amino acid with highly similar properties. This amino acid position is conserved. In addition, the in silico prediction for this alteration is inconclusive. Since supporting evidence is limited at this time, the clinical significance of this alteration remains unclear.